The following is an entry in ClinVar:

ClinVar aggregate classification (germline): Uncertain significance. Review status: criteria provided, multiple submitters, no conflicts (2 of 4 stars). 2 submissions from 2 submitters: Uncertain significance (2). Last evaluated 2025-08-12.

Conditions:
Inborn genetic diseases. Identifiers: MedGen C0950123, MeSH D030342.

Allele frequency attached by ClinVar (database versions not stated): TOPMed 0.00010; gnomAD 0.00011; ESP Exome Variant Server 0.00023.

Submissions (2):

Ambry Genetics
Classification: Uncertain significance for Inborn genetic diseases. Last evaluated: 2025-08-12. Review status: criteria provided, single submitter. Criteria: Ambry Variant Classification Scheme 2023. Collection method: clinical testing. Allele origin: germline.

Labcorp Genetics (formerly Invitae), Labcorp
Classification: Uncertain significance. Last evaluated: 2023-11-27. Review status: criteria provided, single submitter. Criteria: Invitae Variant Classification Sherloc (09022015). Collection method: clinical testing. Allele origin: germline.
Comment: This sequence change replaces arginine, which is basic and polar, with leucine, which is neutral and non-polar, at codon 1130 of the TUBGCP6 protein (p.Arg1130Leu). This variant is present in population databases (rs140384240, gnomAD 0.01%). This variant has not been reported in the literature in individuals affected with TUBGCP6-related conditions. ClinVar contains an entry for this variant (Variation ID: 1509447). Experimental studies and prediction algorithms are not available or were not evaluated, and the functional significance of this variant is currently unknown. In summary, the available evidence is currently insufficient to determine the role of this variant in disease. Therefore, it has been classified as a Variant of Uncertain Significance.

NM_020461.4(TUBGCP6):c.3389G>T (p.Arg1130Leu)

Gene: TUBGCP6 (tubulin gamma complex component 6; minus strand). Cytogenetic location: 22q13.33.
Variant type: single nucleotide variant.
Coding change: c.3389G>T on transcript NM_020461.4 (MANE Select); coding-DNA position 3389, G replaced by T.
Protein change: p.Arg1130Leu; replaces arginine 1130 with leucine.
Molecular consequence: missense variant.
Genome position (GRCh38, 1-based): chr22:50,220,970, C>A on the plus strand (G>T on the coding strand, the complement: TUBGCP6 is on the minus strand). VCF-style: chr22-50220970-C-A. GRCh37 (hg19) VCF-style: chr22-50659399-C-A.
Other names: c.3389G>T (NM_020461.3); short protein forms R1130L.
Identifiers: ClinVar variation 1509447 (VCV001509447.6), dbSNP rs140384240, ClinGen allele CA10307964.